The following is an entry in ClinVar:

ClinVar aggregate classification (germline): Uncertain significance (1 of 4 stars; one submission).

Submission:

Women's Health and Genetics/Laboratory Corporation of America, LabCorp
Classification: Uncertain significance. Last evaluated: 2025-04-29. Review status: criteria provided, single submitter. Criteria: LabCorp Variant Classification Summary - May 2015. Collection method: clinical testing. Allele origin: germline.
Comment: Variant summary: TTN c.6070G>A (p.Asp2024Asn) results in a conservative amino acid change located near the Z-disk / I-band of the encoded protein sequence. Three of five in-silico tools predict a damaging effect of the variant on protein function. The variant was absent in 250736 control chromosomes (gnomAD). The available data on variant occurrences in the general population are insufficient to allow any conclusion about variant significance. To our knowledge, no occurrence of c.6070G>A in individuals affected with Dilated Cardiomyopathy and no experimental evidence demonstrating its impact on protein function have been reported. No submitters have cited clinical-significance assessments for this variant to ClinVar. Based on the evidence outlined above, the variant was classified as uncertain significance.

NM_001267550.2(TTN):c.6070G>A (p.Asp2024Asn)

Gene: TTN (titin; minus strand). Cytogenetic location: 2q31.2.
Variant type: single nucleotide variant.
Coding change: c.6070G>A on transcript NM_001267550.2 (MANE Select); coding-DNA position 6070, G replaced by A.
Protein change: p.Asp2024Asn; replaces aspartic acid 2024 with asparagine.
Molecular consequence: missense variant.
Genome position (GRCh38, 1-based): chr2:178,775,794, C>T on the plus strand (G>A on the coding strand, the complement: TTN is on the minus strand). VCF-style: chr2-178775794-C-T. GRCh37 (hg19) VCF-style: chr2-179640521-C-T.
Other names: c.6070G>A, p.Asp2024Asn (NM_001256850.1, NM_133378.4, NM_133379.5); c.5932G>A, p.Asp1978Asn (NM_003319.4, NM_133432.3, NM_133437.4); short protein forms D1978N, D2024N.
Identifiers: ClinVar variation 3896531 (VCV003896531.2).
Genomic context (GRCh38, chr2:178,775,794, plus strand): 5'-CTTTGGTCCAGTGGAGAAGTTCATCTTTTGTCTTCCTGAGGAGTTCCTCATAGGATTCAT[C>T]CTTCTTTCGAGACTTGAGCTCCACAGCGGTAATGGCTTCATAATAGCCCTCTTCTGTTCT-3'
Protein context (NP_001254479.2, residues 2014-2034): TAVELKSRKK[Asp2024Asn]ESYEELLRKT